The following is an entry in ClinVar:

ClinVar aggregate classification (germline): Uncertain significance (1 of 4 stars; one submission).

Submission:

Labcorp Genetics (formerly Invitae), Labcorp
Classification: Uncertain significance. Last evaluated: 2024-10-25. Review status: criteria provided, single submitter. Criteria: Invitae Variant Classification Sherloc (09022015). Collection method: clinical testing. Allele origin: germline.
Comment: This sequence change replaces serine, which is neutral and polar, with asparagine, which is neutral and polar, at codon 72 of the OR2W3 protein (p.Ser72Asn). This variant is not present in population databases (gnomAD no frequency). This variant has not been reported in the literature in individuals affected with OR2W3-related conditions. An algorithm developed to predict the effect of missense changes on protein structure and function (PolyPhen-2) suggests that this variant is likely to be tolerated. In summary, the available evidence is currently insufficient to determine the role of this variant in disease. Therefore, it has been classified as a Variant of Uncertain Significance.

NM_001001957.2(OR2W3):c.215G>A (p.Ser72Asn)

Gene: OR2W3 (olfactory receptor family 2 subfamily W member 3; plus strand). Cytogenetic location: 1q44.
Variant type: single nucleotide variant.
Coding change: c.215G>A on transcript NM_001001957.2 (MANE Select); coding-DNA position 215, G replaced by A.
Protein change: p.Ser72Asn; replaces serine 72 with asparagine.
Molecular consequence: missense variant.
Genome position (GRCh38, 1-based): chr1:247,895,801, G>A. VCF-style: chr1-247895801-G-A. GRCh37 (hg19) VCF-style: chr1-248059103-G-A.
Other names: short protein forms S72N.
Identifiers: ClinVar variation 3723342 (VCV003723342.2).